The following is an entry in ClinVar:

ClinVar aggregate classification (germline): Uncertain significance (1 of 4 stars; one submission).

Conditions:
Cardiomyopathy (CMYO). Also called: Cardiomyopathies. Identifiers: Orphanet 167848, MedGen C0878544, MONDO:0004994, HP:0001638. Inheritance: Various modes of inheritance.

Submission:

Color Diagnostics, LLC DBA Color Health
Classification: Uncertain significance for Cardiomyopathy. Last evaluated: 2023-07-17. Review status: criteria provided, single submitter. Criteria: ACMG Guidelines, 2015. Collection method: clinical testing. Allele origin: germline.
Comment: This missense variant replaces isoleucine with methionine at codon 690 of the PKP2 protein. Computational prediction suggests that this variant may not impact protein structure and function (internally defined REVEL score threshold <= 0.5, PMID: 27666373). To our knowledge, functional studies have not been reported for this variant. This variant has not been reported in individuals affected with PKP2-related disorders in the literature. This variant has not been identified in the general population by the Genome Aggregation Database (gnomAD). The available evidence is insufficient to determine the role of this variant in disease conclusively. Therefore, this variant is classified as a Variant of Uncertain Significance.

NM_001005242.3(PKP2):c.1938C>G (p.Ile646Met)

Gene: PKP2 (plakophilin 2; minus strand). Cytogenetic location: 12p11.21.
Variant type: single nucleotide variant.
Coding change: c.1938C>G on transcript NM_001005242.3 (MANE Select); coding-DNA position 1938, C replaced by G.
Protein change: p.Ile646Met; replaces isoleucine 646 with methionine.
Molecular consequence: missense variant.
Genome position (GRCh38, 1-based): chr12:32,821,431, G>C on the plus strand (C>G on the coding strand, the complement: PKP2 is on the minus strand). VCF-style: chr12-32821431-G-C. GRCh37 (hg19) VCF-style: chr12-32974365-G-C.
Other names: c.1938C>G, p.Ile646Met (NM_001407155.1, NM_001407161.1); c.1773C>G, p.Ile591Met (NM_001407156.1); c.2070C>G, p.Ile690Met (NM_001407157.1, NM_004572.4); c.1611C>G, p.Ile537Met (NM_001407158.1, NM_001407159.1, NM_001407160.1 and 1 more transcripts); short protein forms I690M, I646M, I591M, I537M.
Identifiers: ClinVar variation 2774084 (VCV002774084.2), dbSNP rs538127756, ClinGen allele CA384361778.